The following is an entry in ClinVar:

NM_000138.5(FBN1):c.5672-15C>G

Gene: FBN1 (fibrillin 1; minus strand). Cytogenetic location: 15q21.1.
Variant type: single nucleotide variant.
Coding change: c.5672-15C>G on transcript NM_000138.5 (MANE Select); 15 bases into the intron before coding-DNA position 5672, C replaced by G.
Molecular consequence: intron variant.
Genome position (GRCh38, 1-based): chr15:48,446,837, G>C on the plus strand (C>G on the coding strand, the complement: FBN1 is on the minus strand). VCF-style: chr15-48446837-G-C. GRCh37 (hg19) VCF-style: chr15-48739034-G-C.
Identifiers: ClinVar variation 316372 (VCV000316372.13), dbSNP rs776163620, ClinGen allele CA055379.

ClinVar aggregate classification (germline): Benign/Likely benign. Review status: criteria provided, multiple submitters, no conflicts (2 of 4 stars). 5 submissions from 5 submitters: Benign (3); Likely benign (2). Last evaluated 2025-11-01.

Conditions:
Marfan syndrome (MFS). Also called: Marfan syndrome type 1; Marfan's syndrome; MARFAN SYNDROME, TYPE I; Marfan syndrome, classic; FBN1-Related Marfan Syndrome. Identifiers: Orphanet 284963, Orphanet 558, MedGen C0024796, MONDO:0007947, OMIM 154700.
Familial thoracic aortic aneurysm and aortic dissection (TAAD). Also called: Thoracic aortic aneurysms and dissections. Identifiers: Orphanet 91387, MedGen C4707243, MONDO:0019625.

Allele frequency attached by ClinVar (database versions not stated): gnomAD 0.00006 and 0.00005; ExAC 0.00007; gnomAD exomes 0.00011 and 0.00001; TOPMed 0.00005.
gnomAD v4.1: 34 of 1,514,452 alleles (0.0022%); highest among the groups gnomAD compares: East Asian, 0.059%; no homozygotes.

Submissions (5):

Labcorp Genetics (formerly Invitae), Labcorp
Classification: Benign for Marfan syndrome; Familial thoracic aortic aneurysm and aortic dissection. Last evaluated: 2025-11-01. Review status: criteria provided, single submitter. Criteria: Invitae Variant Classification Sherloc (09022015). Collection method: clinical testing. Allele origin: germline.

All of Us Research Program, National Institutes of Health
Classification: Benign for Marfan syndrome. Last evaluated: 2023-11-30. Review status: criteria provided, single submitter. Criteria: ACMG Guidelines, 2015. Collection method: clinical testing. Allele origin: germline. Inheritance: Autosomal dominant inheritance. Observed: 6 variant alleles, 6 heterozygotes.
Comment: This study involves interpretation of variants in research participants for the purpose of population health screening. Participant phenotype was not available at the time of variant classification. Additional details can be found in publication PMID: 35346344, PMCID: PMC8962531

Blueprint Genetics
Classification: Likely benign. Last evaluated: 2023-07-10. Review status: criteria provided, single submitter. Criteria: ACMG Guidelines, 2015. Collection method: clinical testing. Allele origin: germline.

Color Diagnostics, LLC DBA Color Health
Classification: Benign for Familial thoracic aortic aneurysm and aortic dissection. Last evaluated: 2018-11-16. Review status: criteria provided, single submitter. Criteria: ACMG Guidelines, 2015. Collection method: clinical testing. Allele origin: germline.

GeneDx
Classification: Likely benign. Last evaluated: 2018-03-19. Review status: criteria provided, single submitter. Criteria: GeneDx Variant Classification (06012015). Collection method: clinical testing. Allele origin: germline. Affected: yes.
Comment: This variant is considered likely benign or benign based on one or more of the following criteria: it is a conservative change, it occurs at a poorly conserved position in the protein, it is predicted to be benign by multiple in silico algorithms, and/or has population frequency not consistent with disease.